The following is an entry in ClinVar:

NM_004006.3(DMD):c.2275T>A (p.Leu759Ile)

Gene: DMD (dystrophin; minus strand). Cytogenetic location: Xp21.1.
Variant type: single nucleotide variant.
Coding change: c.2275T>A on transcript NM_004006.3 (MANE Select); coding-DNA position 2275, T replaced by A.
Protein change: p.Leu759Ile; replaces leucine 759 with isoleucine.
Molecular consequence: missense variant.
Genome position (GRCh38, 1-based): chrX:32,518,025, A>T on the plus strand (T>A on the coding strand, the complement: DMD is on the minus strand). VCF-style: chrX-32518025-A-T. GRCh37 (hg19) VCF-style: chrX-32536142-A-T.
Other names: c.2251T>A, p.Leu751Ile (NM_000109.4); c.2263T>A, p.Leu755Ile (NM_004009.3); c.1906T>A, p.Leu636Ile (NM_004010.3); short protein forms L636I, L751I, L759I, L755I.
Identifiers: ClinVar variation 2988821 (VCV002988821.4), dbSNP rs1271843078, ClinGen allele CA412663704.
Genomic context (GRCh38, chrX:32,518,025, plus strand): 5'-AGCACAAAATGAGTACAGATATAAAAATTAATGCATAACCTACATTGACTTTTTCTTTTA[A>T]GTCTGAGAAGTTGCCTTCCTTCCGAAAGATTGCAAATTCAGGACTCTGCAACACAGCTTC-3'
Protein context (NP_003997.2, residues 749-769): IFRKEGNFSD[Leu759Ile]KEKVNAIERE

ClinVar aggregate classification (germline): Conflicting classifications of pathogenicity. Review status: criteria provided, conflicting classifications (1 of 4 stars). 2 submissions from 2 submitters: Uncertain significance (1); Likely benign (1). Last evaluated 2025-03-26.

Conditions:
Duchenne muscular dystrophy (DMD). Also called: MUSCULAR DYSTROPHY, PSEUDOHYPERTROPHIC PROGRESSIVE, DUCHENNE TYPE; Duchenne Muscular Dystrophy (DMD). Identifiers: Orphanet 98896, MedGen C0013264, MONDO:0010679, OMIM 310200.
Cardiovascular phenotype. Identifiers: MedGen CN230736.

Allele frequency attached by ClinVar (database versions not stated): gnomAD 0.00002.
gnomAD v4.1: 2 of 1,209,046 alleles (0.00017%); highest among the groups gnomAD compares: African/African-American, 0.0035%; no homozygotes.

Submissions (2):

Ambry Genetics
Classification: Likely benign for Cardiovascular phenotype. Last evaluated: 2025-03-26. Review status: criteria provided, single submitter. Criteria: Ambry Variant Classification Scheme 2023. Collection method: clinical testing. Allele origin: germline.

Labcorp Genetics (formerly Invitae), Labcorp
Classification: Uncertain significance for Duchenne muscular dystrophy. Last evaluated: 2024-07-16. Review status: criteria provided, single submitter. Criteria: Invitae Variant Classification Sherloc (09022015). Collection method: clinical testing. Allele origin: germline.
Comment: This sequence change replaces leucine, which is neutral and non-polar, with isoleucine, which is neutral and non-polar, at codon 759 of the DMD protein (p.Leu759Ile). This variant is present in population databases (no rsID available, gnomAD 0.02%). This variant has not been reported in the literature in individuals affected with DMD-related conditions. Advanced modeling of protein sequence and biophysical properties (such as structural, functional, and spatial information, amino acid conservation, physicochemical variation, residue mobility, and thermodynamic stability) performed at Invitae indicates that this missense variant is not expected to disrupt DMD protein function with a negative predictive value of 95%. In summary, the available evidence is currently insufficient to determine the role of this variant in disease. Therefore, it has been classified as a Variant of Uncertain Significance.